The following is an entry in ClinVar:

ClinVar aggregate classification (germline): Uncertain significance. Review status: criteria provided, multiple submitters, no conflicts (2 of 4 stars). 2 submissions from 2 submitters: Uncertain significance (2). Last evaluated 2026-07-06.

Conditions:
CREBBP-related disorder. Also called: CREBBP-related disorders; CREBBP-related condition.
Rubinstein-Taybi syndrome (RSTS). Identifiers: Orphanet 783, MedGen C0035934, MONDO:0019188.

gnomAD v4.1: 8 of 1,614,250 alleles (0.0005%); highest among the groups gnomAD compares: Non-Finnish European, 0.00059%; no homozygotes.

Submissions (2):

PreventionGenetics, part of Exact Sciences
Classification: Uncertain significance for CREBBP-related condition. Last evaluated: 2026-07-06. Review status: criteria provided, single submitter. Criteria: ACMG Guidelines, 2015. Collection method: clinical testing. Allele origin: germline.
Comment: The CREBBP c.4764G>C variant is predicted to result in the amino acid substitution p.Lys1588Asn. This variant was reported in an individual with autism (Patient EGAN00001100985 in Table S1, Satterstrom et al. 2020. PubMed ID: 31981491). This variant is reported in 0.0046% of alleles in individuals of European (Finnish) descent in gnomAD. At this time, the clinical significance of this variant is uncertain due to the absence of conclusive functional and genetic evidence.

Labcorp Genetics (formerly Invitae), Labcorp
Classification: Uncertain significance for Rubinstein-Taybi syndrome. Last evaluated: 2023-01-31. Review status: criteria provided, single submitter. Criteria: Invitae Variant Classification Sherloc (09022015). Collection method: clinical testing. Allele origin: germline.
Comment: This sequence change replaces lysine, which is basic and polar, with asparagine, which is neutral and polar, at codon 1588 of the CREBBP protein (p.Lys1588Asn). This variant is present in population databases (no rsID available, gnomAD 0.004%). This missense change has been observed in individual(s) with autism spectrum disorder (PMID: 31981491). Advanced modeling of protein sequence and biophysical properties (such as structural, functional, and spatial information, amino acid conservation, physicochemical variation, residue mobility, and thermodynamic stability) performed at Invitae indicates that this missense variant is expected to disrupt CREBBP protein function. In summary, the available evidence is currently insufficient to determine the role of this variant in disease. Therefore, it has been classified as a Variant of Uncertain Significance.

Literature cited by the submitters: PubMed 31981491 (cited by Labcorp Genetics (formerly Invitae), Labcorp).

NM_004380.3(CREBBP):c.4764G>C (p.Lys1588Asn)

Gene: CREBBP (CREB binding lysine acetyltransferase; minus strand). Cytogenetic location: 16p13.3.
Variant type: single nucleotide variant.
Coding change: c.4764G>C on transcript NM_004380.3 (MANE Select); coding-DNA position 4764, G replaced by C.
Protein change: p.Lys1588Asn; replaces lysine 1588 with asparagine.
Molecular consequence: missense variant.
Genome position (GRCh38, 1-based): chr16:3,731,902, C>G on the plus strand (G>C on the coding strand, the complement: CREBBP is on the minus strand). VCF-style: chr16-3731902-C-G. GRCh37 (hg19) VCF-style: chr16-3781903-C-G.
Other names: c.4764G>C (NM_004380.2); c.4650G>C, p.Lys1550Asn (NM_001079846.1); short protein forms K1550N, K1588N.
Identifiers: ClinVar variation 2722873 (VCV002722873.4), dbSNP rs1450303039, ClinGen allele CA394560185.